The following is an entry in ClinVar:

ClinVar aggregate classification (germline): Uncertain significance (1 of 4 stars; one submission).

Conditions:
Loeys-Dietz syndrome 2 (LDS2). Also called: Marfan syndrome, type 2 (formerly); TGFBR2-Related Loeys-Dietz Syndrome; Marfan Syndrome type 2; Marfan like connective tissue disorder; MFS 2; MARFAN SYNDROME, TYPE II. Identifiers: Orphanet 284973, Orphanet 558, MedGen C2674574, MONDO:0012427, OMIM 610168.

Submission:

Labcorp Genetics (formerly Invitae), Labcorp
Classification: Uncertain significance for Loeys-Dietz syndrome 2. Last evaluated: 2022-12-20. Review status: criteria provided, single submitter. Criteria: Invitae Variant Classification Sherloc (09022015). Collection method: clinical testing. Allele origin: germline.
Comment: This variant is not present in population databases (gnomAD no frequency). In summary, the available evidence is currently insufficient to determine the role of this variant in disease. Therefore, it has been classified as a Variant of Uncertain Significance. Advanced modeling of protein sequence and biophysical properties (such as structural, functional, and spatial information, amino acid conservation, physicochemical variation, residue mobility, and thermodynamic stability) performed at Invitae indicates that this missense variant is not expected to disrupt TMPO protein function. This variant has not been reported in the literature in individuals affected with TMPO-related conditions. This sequence change replaces proline, which is neutral and non-polar, with arginine, which is basic and polar, at codon 298 of the TMPO protein (p.Pro298Arg).

NM_001032283.3(TMPO):c.565+1312C>G

Gene: TMPO (thymopoietin; plus strand). Cytogenetic location: 12q23.1.
Variant type: single nucleotide variant.
Coding change: c.565+1312C>G on transcript NM_001032283.3 (MANE Select); 1312 bases into the intron after coding-DNA position 565, C replaced by G.
Molecular consequence: intron variant. On other transcripts: missense variant (1).
Genome position (GRCh38, 1-based): chr12:98,533,150, C>G. VCF-style: chr12-98533150-C-G. GRCh37 (hg19) VCF-style: chr12-98926928-C-G.
Other names: c.893C>G, p.Pro298Arg (NM_003276.2); c.565+1312C>G (NM_001307975.2, NM_001032284.3); short protein forms P298R.
Identifiers: ClinVar variation 2822398 (VCV002822398.3), dbSNP rs2548503110, ClinGen allele CA386152038.
Genomic context (GRCh38, chr12:98,533,150, plus strand): 5'-TTTCATGCAAGTCTAGCCATGATAGGTGTTTAGAGAAAAGTTCTTCGTCATCTTCTCAGC[C>G]TGAACACAGTGCCATGTTGGTCTCTACTGCAGCTTCTCCTTCACTGATTAAAGAAACCAC-3'